The following is an entry in ClinVar:

NM_000492.4(CFTR):c.3140-33A>G

Genes: CFTR (CF transmembrane conductance regulator; plus strand), CFTR-AS2 (CFTR antisense RNA 2; minus strand), LOC111674472 (DNase I hypersensitive sites in introns 16 and 17a of CFTR; plus strand). Cytogenetic location: 7q31.2.
Variant type: single nucleotide variant.
Coding change: c.3140-33A>G on transcript NM_000492.4 (MANE Select); 33 bases into the intron before coding-DNA position 3140, A replaced by G.
Molecular consequence: intron variant.
Genome position (GRCh38, 1-based): chr7:117,611,548, A>G. VCF-style: chr7-117611548-A-G. GRCh37 (hg19) VCF-style: chr7-117251602-A-G.
Identifiers: ClinVar variation 439483 (VCV000439483.12), dbSNP rs373016758, ClinGen allele CA4451397.

ClinVar aggregate classification (germline): Conflicting classifications of pathogenicity. Review status: criteria provided, conflicting classifications (1 of 4 stars). 4 submissions from 4 submitters: Uncertain significance (1); Likely benign (2). 1 of the submissions does not count toward it. Last evaluated 2024-07-11.

Conditions:
CFTR-related disorder (CFTR-RD). Also called: CFTR-related condition; CFTR-related disorders. Identifiers: MedGen C5924204, MONDO:7770004.

Allele frequency attached by ClinVar (database versions not stated): gnomAD 0.00009; TOPMed 0.00011; gnomAD exomes 0.00015; ESP Exome Variant Server 0.00031.
gnomAD v4.1: 166 of 1,222,718 alleles (0.014%); highest among the groups gnomAD compares: Non-Finnish European, 0.019%; no homozygotes.

Submissions (4):

Quest Diagnostics Nichols Institute San Juan Capistrano
Classification: Uncertain significance. Last evaluated: 2024-07-11. Review status: criteria provided, single submitter. Criteria: Quest Diagnostics criteria. Collection method: clinical testing. Allele origin: unknown.
Comment: The CFTR c.3140-33A>G intronic variant, to the best of our knowledge, has not been reported in the published literature. The frequency of this variant in the general population, 0.00012 (12/99738 chromosomes (Genome Aggregation Database)), is uninformative in the assessment of its pathogenicity. Analysis of this variant using software algorithms for the prediction of the effect of nucleotide changes on splicing yielded predictions that this variant does not affect CFTR mRNA splicing. Based on the available information, we are unable to determine the clinical significance of this variant.

Blueprint Genetics
Classification: Likely benign. Last evaluated: 2023-02-16. Review status: criteria provided, single submitter. Criteria: ACMG Guidelines, 2015. Collection method: clinical testing. Allele origin: germline.

ARUP Laboratories, Molecular Genetics and Genomics, ARUP Laboratories
Classification: Likely benign. Last evaluated: 2017-01-07. Review status: criteria provided, single submitter. Criteria: ARUP Molecular Germline Variant Investigation Process. Collection method: clinical testing. Allele origin: germline.

PreventionGenetics, part of Exact Sciences
Classification: Likely benign for CFTR-related condition. Last evaluated: 2021-04-29. Review status: no assertion criteria provided. Collection method: clinical testing. Allele origin: germline. Not counted in ClinVar's aggregate classification.
Comment: This variant is classified as likely benign based on ACMG/AMP sequence variant interpretation guidelines (Richards et al. 2015 PMID: 25741868, with internal and published modifications).